The following is an entry in ClinVar:

ClinVar aggregate classification (germline): Uncertain significance (1 of 4 stars; one submission).

Conditions:
Early-onset Lafora body disease. Also called: Epilepsy, progressive myoclonic, 10. Identifiers: Orphanet 324290, MedGen C4225258, MONDO:0014717, OMIM 616640.

Submission:

Labcorp Genetics (formerly Invitae), Labcorp
Classification: Uncertain significance for Early-onset Lafora body disease. Last evaluated: 2022-06-29. Review status: criteria provided, single submitter. Criteria: Invitae Variant Classification Sherloc (09022015). Collection method: clinical testing. Allele origin: germline.
Comment: This variant has not been reported in the literature in individuals affected with PRDM8-related conditions. Experimental studies and prediction algorithms are not available or were not evaluated, and the functional significance of this variant is currently unknown. In summary, the available evidence is currently insufficient to determine the role of this variant in disease. Therefore, it has been classified as a Variant of Uncertain Significance. This variant is not present in population databases (gnomAD no frequency). This variant, c.1142_1204del, results in the deletion of 21 amino acid(s) of the PRDM8 protein (p.Ala381_Glu401del), but otherwise preserves the integrity of the reading frame.

NM_001099403.2(PRDM8):c.1142_1204del (p.Ala381_Glu401del)

Gene: PRDM8 (PR/SET domain 8; plus strand). Cytogenetic location: 4q21.21.
Variant type: Deletion.
Coding change: c.1142_1204del on transcript NM_001099403.2 (MANE Select); coding-DNA positions 1142 to 1204, 63 bases deleted.
Protein change: p.Ala381_Glu401del.
Molecular consequence: inframe deletion.
Genome position (GRCh38, 1-based): chr4:80,202,604-80,202,666, 63 bases deleted. GRCh37 (hg19): chr4:81,123,758-81,123,820.
Other names: c.1142_1204del, p.Ala381_Glu401del (NM_020226.4).
Identifiers: ClinVar variation 1521619 (VCV001521619.6), dbSNP rs2109879206, ClinGen allele CA2573138354.